The following is an entry in ClinVar:

ClinVar aggregate classification (germline): Uncertain significance (1 of 4 stars; one submission).

Conditions:
Hereditary cancer-predisposing syndrome. Also called: Neoplastic Syndromes, Hereditary; Tumor predisposition; Hereditary neoplastic syndrome; Hereditary Cancer Syndrome. Identifiers: Orphanet 140162, MedGen C0027672, MeSH D009386, MONDO:0015356.

gnomAD v4.1: 1 of 1,612,402 alleles (0.000062%); no homozygotes.

Submission:

Color Diagnostics, LLC DBA Color Health
Classification: Uncertain significance for Hereditary cancer-predisposing syndrome. Last evaluated: 2023-12-05. Review status: criteria provided, single submitter. Criteria: ACMG Guidelines, 2015. Collection method: clinical testing. Allele origin: germline.
Comment: This missense variant replaces threonine with lysine at codon 3001 of the BRCA2 protein. Computational prediction suggests that this variant may not impact protein structure and function (internally defined REVEL score threshold <= 0.5, PMID: 27666373). To our knowledge, functional studies have not been reported for this variant. This variant has not been reported in individuals affected with BRCA2-related disorders in the literature. This variant has not been identified in the general population by the Genome Aggregation Database (gnomAD). The available evidence is insufficient to determine the role of this variant in disease conclusively. Therefore, this variant is classified as a Variant of Uncertain Significance.

NM_000059.4(BRCA2):c.9002C>A (p.Thr3001Lys)

Gene: BRCA2 (BRCA2 DNA repair associated; plus strand). Cytogenetic location: 13q13.1.
Variant type: single nucleotide variant.
Coding change: c.9002C>A on transcript NM_000059.4 (MANE Select); coding-DNA position 9002, C replaced by A.
Protein change: p.Thr3001Lys; replaces threonine 3001 with lysine.
Molecular consequence: missense variant.
Genome position (GRCh38, 1-based): chr13:32,379,798, C>A. VCF-style: chr13-32379798-C-A. GRCh37 (hg19) VCF-style: chr13-32953935-C-A.
Other names: short protein forms T3001K.
Identifiers: ClinVar variation 630029 (VCV000630029.5), dbSNP rs1566253126, ClinGen allele CA387757447.
Genomic context (GRCh38, chr13:32,379,798, plus strand): 5'-TTCTCCAAACAGTTATACTGAGTATTTGGCGTCCATCATCAGATTTATATTCTCTGTTAA[C>A]AGAAGGAAAGAGATACAGAATTTATCATCTTGCAACTTCAAAATCTAAAAGTAAATCTGA-3'
Protein context (NP_000050.3, residues 2991-3011): RPSSDLYSLL[Thr3001Lys]EGKRYRIYHL